The following is an entry in ClinVar:

ClinVar aggregate classification (germline): Uncertain significance (1 of 4 stars; one submission).

gnomAD v4.1: 2 of 1,599,364 alleles (0.00013%); highest among the groups gnomAD compares: South Asian, 0.0011%; no homozygotes.

Submission:

GeneDx
Classification: Uncertain significance. Last evaluated: 2022-11-21. Review status: criteria provided, single submitter. Criteria: GeneDx Variant Classification Process June 2021. Collection method: clinical testing. Allele origin: germline. Affected: yes.
Comment: Not observed at significant frequency in large population cohorts (gnomAD); In silico analysis supports that this missense variant does not alter protein structure/function; Has not been previously published as pathogenic or benign to our knowledge

NM_004553.6(NDUFS6):c.92G>A (p.Arg31Gln)

Gene: NDUFS6 (NADH:ubiquinone oxidoreductase subunit S6; plus strand). Cytogenetic location: 5p15.33.
Variant type: single nucleotide variant.
Coding change: c.92G>A on transcript NM_004553.6 (MANE Select); coding-DNA position 92, G replaced by A.
Protein change: p.Arg31Gln; replaces arginine 31 with glutamine.
Molecular consequence: missense variant.
Genome position (GRCh38, 1-based): chr5:1,801,509, G>A. VCF-style: chr5-1801509-G-A. GRCh37 (hg19) VCF-style: chr5-1801623-G-A.
Other names: short protein forms R31Q.
Identifiers: ClinVar variation 2502567 (VCV002502567.1), dbSNP rs770018272, ClinGen allele CA359088763.